The following is an entry in ClinVar:

ClinVar aggregate classification (germline): Pathogenic (1 of 4 stars; one submission).

Conditions:
Niemann-Pick disease, type C2 (NPC2). Identifiers: Orphanet 646, MedGen C1843366, MONDO:0011873, OMIM 607625.

Submission:

Myriad Genetics, Inc.
Classification: Pathogenic for Niemann-Pick disease, type C2. Last evaluated: 2026-02-10. Review status: criteria provided, single submitter. Criteria: Myriad Autosomal Dominant, Autosomal Recessive and X-Linked Classification Criteria (2023). Collection method: clinical testing. Allele origin: unknown.
Comment: NM_006432.3(NPC2):c.104delA(K35Rfs*3) is expected to be pathogenic in the context of Niemann-Pick disease type C2. This variant is predicted to lead to an abnormal or absent protein product due to the creation of a premature termination codon in NPC2, a gene where loss-of-function variants are known to be pathogenic. Please note: this variant was assessed in the context of healthy population screening.

NM_006432.5(NPC2):c.104del (p.Lys35fs)

Gene: NPC2 (NPC intracellular cholesterol transporter 2; minus strand). Cytogenetic location: 14q24.3.
Variant type: Deletion.
Coding change: c.104del on transcript NM_006432.5 (MANE Select); coding-DNA position 104, one base deleted (A; older notation c.104delA).
Protein change: p.Lys35fs; shifts the reading frame from lysine 35.
Molecular consequence: frameshift variant.
Genome position (GRCh38, 1-based): chr14:74,486,415, T deleted on the plus strand (A on the coding strand, the reverse complement: NPC2 is on the minus strand); the first of 3 consecutive T bases (chr14:74,486,415-74,486,417); deleting any one gives the same sequence. VCF-style (leftmost placement, unchanged base first): chr14-74486414-CT-C. GRCh37 (hg19) VCF-style: chr14-74953117-CT-C.
Other names: c.104del, p.Lys35fs (NM_001363688.1, NM_001375440.1); short protein forms K35fs.
Identifiers: ClinVar variation 5015532 (VCV005015532.1).